The following is an entry in ClinVar:

NM_001127178.3(PIGG):c.2650G>A (p.Val884Met)

Gene: PIGG (phosphatidylinositol glycan anchor biosynthesis class G (EMM blood group); plus strand). Cytogenetic location: 4p16.3.
Variant type: single nucleotide variant.
Coding change: c.2650G>A on transcript NM_001127178.3 (MANE Select); coding-DNA position 2650, G replaced by A.
Protein change: p.Val884Met; replaces valine 884 with methionine.
Molecular consequence: missense variant. On other transcripts: non-coding transcript variant (10).
Genome position (GRCh38, 1-based): chr4:533,896, G>A. VCF-style: chr4-533896-G-A. GRCh37 (hg19) VCF-style: chr4-527685-G-A.
Other names: c.2383G>A, p.Val795Met (NM_001289051.2, NM_001345986.2); c.2251G>A, p.Val751Met (NM_001289052.2); c.2359G>A, p.Val787Met (NM_001345987.2); c.1621G>A, p.Val541Met (NM_001345988.2); c.1117G>A, p.Val373Met (NM_001345990.2, NM_001345991.2); c.1552G>A, p.Val518Met (NM_001345994.2); c.2626G>A, p.Val876Met (NM_017733.5); short protein forms V751M, V541M, V787M, V876M, V373M, V518M, V795M, V884M.
Identifiers: ClinVar variation 952617 (VCV000952617.9), dbSNP rs1354813742, ClinGen allele CA355911181.

ClinVar aggregate classification (germline): Uncertain significance (1 of 4 stars; one submission).

Conditions:
Intellectual disability, autosomal recessive 53 (NEDHSCA). Also called: GLYCOSYLPHOSPHATIDYLINOSITOL BIOSYNTHESIS DEFECT 13; Mental retardation, autosomal recessive 53; NEURODEVELOPMENTAL DISORDER WITH OR WITHOUT HYPOTONIA, SEIZURES, AND CEREBELLAR ATROPHY. Identifiers: Orphanet 488635, MedGen C4310794, MONDO:0014832, OMIM 616917.

Allele frequency attached by ClinVar (database versions not stated): gnomAD 0.00001; gnomAD exomes 0.00001; TOPMed 0.00002.
gnomAD v4.1: 12 of 1,614,042 alleles (0.00074%); highest among the groups gnomAD compares: Admixed American, 0.0017%; no homozygotes.

Submission:

Labcorp Genetics (formerly Invitae), Labcorp
Classification: Uncertain significance for Intellectual disability, autosomal recessive 53. Last evaluated: 2024-12-12. Review status: criteria provided, single submitter. Criteria: Invitae Variant Classification Sherloc (09022015). Collection method: clinical testing. Allele origin: germline.
Comment: This sequence change replaces valine, which is neutral and non-polar, with methionine, which is neutral and non-polar, at codon 884 of the PIGG protein (p.Val884Met). This variant is not present in population databases (gnomAD no frequency). This variant has not been reported in the literature in individuals affected with PIGG-related conditions. ClinVar contains an entry for this variant (Variation ID: 952617). Invitae Evidence Modeling of protein sequence and biophysical properties (such as structural, functional, and spatial information, amino acid conservation, physicochemical variation, residue mobility, and thermodynamic stability) indicates that this missense variant is not expected to disrupt PIGG protein function with a negative predictive value of 80%. In summary, the available evidence is currently insufficient to determine the role of this variant in disease. Therefore, it has been classified as a Variant of Uncertain Significance.